The following is an entry in ClinVar:

ClinVar aggregate classification (germline): Uncertain significance (1 of 4 stars; one submission).

Conditions:
Epidermolysis bullosa simplex 5C, with pyloric atresia (EBS5C). Also called: PLEC-Related Epidermolysis Bullosa with Pyloric Atresia; Epidermolysis bullosa simplex with pyloric atresia; PLEC1-Related Epidermolysis Bullosa with Pyloric Atresia. Identifiers: Orphanet 158684, MedGen C2677349, MONDO:0012807, OMIM 612138.
Epidermolysis bullosa simplex 5B, with muscular dystrophy (EBS5B). Also called: EPIDERMOLYSIS BULLOSA SIMPLEX AND LIMB-GIRDLE MUSCULAR DYSTROPHY; Epidermolysis bullosa simplex with muscular dystrophy. Identifiers: Orphanet 257, MedGen C2931072, MONDO:0009181, OMIM 226670.
Epidermolysis bullosa simplex, Ogna type (EBS5A). Also called: Pidermolysis bullosa simplex 5A, Ogna type; EPIDERMOLYSIS BULLOSA SIMPLEX 5A, OGNA TYPE. Identifiers: Orphanet 79401, MedGen C0432317, MONDO:0007555, OMIM 131950.
Autosomal recessive limb-girdle muscular dystrophy type 2Q (LGMDR17). Also called: MUSCULAR DYSTROPHY, LIMB-GIRDLE, AUTOSOMAL RECESSIVE 17. Identifiers: Orphanet 254361, MedGen C3150989, MONDO:0013390, OMIM 613723.
Epidermolysis bullosa simplex with nail dystrophy (EBS5D). Identifiers: MedGen C4225309, MONDO:0014661, OMIM 616487.

Submission:

Labcorp Genetics (formerly Invitae), Labcorp
Classification: Uncertain significance for Autosomal recessive limb-girdle muscular dystrophy type 2Q; Epidermolysis bullosa simplex, Ogna type; Epidermolysis bullosa simplex with nail dystrophy; Epidermolysis bullosa simplex 5C, with pyloric atresia; Epidermolysis bullosa simplex 5B, with muscular dystrophy. Last evaluated: 2022-10-17. Review status: criteria provided, single submitter. Criteria: Invitae Variant Classification Sherloc (09022015). Collection method: clinical testing. Allele origin: germline.
Comment: In summary, the available evidence is currently insufficient to determine the role of this variant in disease. Therefore, it has been classified as a Variant of Uncertain Significance. Advanced modeling of protein sequence and biophysical properties (such as structural, functional, and spatial information, amino acid conservation, physicochemical variation, residue mobility, and thermodynamic stability) performed at Invitae indicates that this missense variant is not expected to disrupt PLEC protein function. ClinVar contains an entry for this variant (Variation ID: 1374795). This variant has not been reported in the literature in individuals affected with PLEC-related conditions. This variant is not present in population databases (gnomAD no frequency). This sequence change replaces leucine, which is neutral and non-polar, with phenylalanine, which is neutral and non-polar, at codon 3993 of the PLEC protein (p.Leu3993Phe).

NM_201384.3(PLEC):c.11896C>T (p.Leu3966Phe)

Gene: PLEC (plectin; minus strand). Cytogenetic location: 8q24.3.
Variant type: single nucleotide variant.
Coding change: c.11896C>T on transcript NM_201384.3 (MANE Select); coding-DNA position 11896, C replaced by T.
Protein change: p.Leu3966Phe; replaces leucine 3966 with phenylalanine.
Molecular consequence: missense variant.
Genome position (GRCh38, 1-based): chr8:143,917,925, G>A on the plus strand (C>T on the coding strand, the complement: PLEC is on the minus strand). VCF-style: chr8-143917925-G-A. GRCh37 (hg19) VCF-style: chr8-144992093-G-A.
Other names: c.11977C>T, p.Leu3993Phe (NM_000445.5); c.11854C>T, p.Leu3952Phe (NM_201378.4); c.11830C>T, p.Leu3944Phe (NM_201379.3); c.12307C>T, p.Leu4103Phe (NM_201380.4); c.11800C>T, p.Leu3934Phe (NM_201381.3); c.11896C>T, p.Leu3966Phe (NM_201382.4); c.11908C>T, p.Leu3970Phe (NM_201383.3); short protein forms L3952F, L3970F, L3944F, L3993F, L3966F, L4103F, L3934F.
Identifiers: ClinVar variation 1374795 (VCV001374795.6), dbSNP rs1821098510, ClinGen allele CA372487604.